The following is an entry in ClinVar:

ClinVar aggregate classification (germline): Likely benign. Review status: criteria provided, multiple submitters, no conflicts (2 of 4 stars). 3 submissions from 3 submitters: Likely benign (2). 1 of the submissions does not count toward it. Last evaluated 2024-08-26.

Conditions:
MYH14-related disorder. Also called: MYH14-related condition.

Allele frequency attached by ClinVar (database versions not stated): gnomAD 0.00008 and 0.00010; TOPMed 0.00009; gnomAD exomes 0.00010.
gnomAD v4.1: 168 of 1,608,922 alleles (0.01%); highest among the groups gnomAD compares: Middle Eastern, 0.11%; no homozygotes.

Submissions (3):

Blueprint Genetics
Classification: Likely benign. Last evaluated: 2024-08-26. Review status: criteria provided, single submitter. Criteria: ACMG Guidelines, 2015. Collection method: clinical testing. Allele origin: germline.

Labcorp Genetics (formerly Invitae), Labcorp
Classification: Likely benign. Last evaluated: 2024-07-16. Review status: criteria provided, single submitter. Criteria: Invitae Variant Classification Sherloc (09022015). Collection method: clinical testing. Allele origin: germline.

PreventionGenetics, part of Exact Sciences
Classification: Likely benign for MYH14-related condition. Last evaluated: 2024-04-22. Review status: no assertion criteria provided. Collection method: clinical testing. Allele origin: germline. Not counted in ClinVar's aggregate classification.
Comment: This variant is classified as likely benign based on ACMG/AMP sequence variant interpretation guidelines (Richards et al. 2015 PMID: 25741868, with internal and published modifications).

NM_001145809.2(MYH14):c.4950G>A (p.Arg1650=)

Gene: MYH14 (myosin heavy chain 14; plus strand). Cytogenetic location: 19q13.33.
Variant type: single nucleotide variant.
Coding change: c.4950G>A on transcript NM_001145809.2 (MANE Select); coding-DNA position 4950, G replaced by A.
Protein change: p.Arg1650=; no amino-acid change (arginine 1650 retained).
Molecular consequence: synonymous variant.
Genome position (GRCh38, 1-based): chr19:50,289,633, G>A. VCF-style: chr19-50289633-G-A. GRCh37 (hg19) VCF-style: chr19-50792890-G-A.
Other names: c.4950G>A (NM_001145809.1); c.4851G>A, p.Arg1617= (NM_001077186.2); c.4827G>A, p.Arg1609= (NM_024729.4).
Identifiers: ClinVar variation 775420 (VCV000775420.7), dbSNP rs763245691, ClinGen allele CA9593642.
Genomic context (GRCh38, chr19:50,289,633, plus strand): 5'-CAAGACTCAGCATGAGCGTGACCTGCAGGGCCGTGATGAGGCTGGTGAAGAGAGGCGGAG[G>A]CAGCTGGCCAAGCAGGTATTGTCACACAGAAGGCCACAGGGTGCCAGTCCAGCTGGGGTA-3'
Protein context (NP_001139281.1, residues 1640-1660): GRDEAGEERR[Arg1650=]QLAKQLRDAE